The following is an entry in ClinVar:

NM_032444.4(SLX4):c.194A>G (p.His65Arg)

Gene: SLX4 (SLX4 structure-specific endonuclease subunit; minus strand). Cytogenetic location: 16p13.3.
Variant type: single nucleotide variant.
Coding change: c.194A>G on transcript NM_032444.4 (MANE Select); coding-DNA position 194, A replaced by G.
Protein change: p.His65Arg; replaces histidine 65 with arginine.
Molecular consequence: missense variant.
Genome position (GRCh38, 1-based): chr16:3,608,771, T>C on the plus strand (A>G on the coding strand, the complement: SLX4 is on the minus strand). VCF-style: chr16-3608771-T-C. GRCh37 (hg19) VCF-style: chr16-3658772-T-C.
Other names: short protein forms H65R.
Identifiers: ClinVar variation 1382576 (VCV001382576.6), dbSNP rs1003415542, ClinGen allele CA276971272.

ClinVar aggregate classification (germline): Uncertain significance (1 of 4 stars; one submission).

Conditions:
Fanconi anemia (FA). Also called: Fanconi's anemia. Identifiers: Orphanet 84, MedGen C0015625, MeSH D005199, MONDO:0019391.

Allele frequency attached by ClinVar (database versions not stated): gnomAD exomes below 0.00001 and 0.00001.
gnomAD v4.1: 4 of 1,614,192 alleles (0.00025%); highest among the groups gnomAD compares: Non-Finnish European, 0.00034%; no homozygotes.

Submission:

Labcorp Genetics (formerly Invitae), Labcorp
Classification: Uncertain significance for Fanconi anemia. Last evaluated: 2022-03-18. Review status: criteria provided, single submitter. Criteria: Invitae Variant Classification Sherloc (09022015). Collection method: clinical testing. Allele origin: germline.
Comment: This sequence change replaces histidine, which is basic and polar, with arginine, which is basic and polar, at codon 65 of the SLX4 protein (p.His65Arg). This variant is present in population databases (no rsID available, gnomAD 0.0009%). This variant has not been reported in the literature in individuals affected with SLX4-related conditions. Algorithms developed to predict the effect of missense changes on protein structure and function output the following: SIFT: "Tolerated"; PolyPhen-2: "Benign"; Align-GVGD: "Class C0". The arginine amino acid residue is found in multiple mammalian species, which suggests that this missense change does not adversely affect protein function. In summary, the available evidence is currently insufficient to determine the role of this variant in disease. Therefore, it has been classified as a Variant of Uncertain Significance.